The following is an entry in ClinVar:

NM_007363.5(NONO):c.315_318del (p.His106fs)

Gene: NONO (non-POU domain containing octamer binding; plus strand). Cytogenetic location: Xq13.1.
Variant type: Microsatellite.
Coding change: c.315_318del on transcript NM_007363.5 (MANE Select); coding-DNA positions 315 to 318, 4 bases deleted (TCAT; older notation c.315_318delTCAT).
Protein change: p.His106fs; shifts the reading frame from histidine 106.
Molecular consequence: frameshift variant.
Genome position (GRCh38, 1-based): chrX:71,291,939-71,291,942, TCAT deleted; deleting any 4 consecutive bases within chrX:71,291,934-71,291,942 gives the same sequence; the c. name uses the placement nearest the transcript's 3' end. VCF-style (leftmost placement, unchanged base first): chrX-71291933-CTTCA-C. GRCh37 (hg19) VCF-style: chrX-70511783-CTTCA-C.
Other names: c.315_318del, p.His106fs (NM_001145408.2, NM_001145409.2); c.48_51del, p.His17fs (NM_001145410.2); short protein forms H106fs, H17fs.
Identifiers: ClinVar variation 1526229 (VCV001526229.1), dbSNP rs2148033533, ClinGen allele CA2580612354.

ClinVar aggregate classification (germline): Likely pathogenic (1 of 4 stars; one submission).

Conditions:
Intellectual developmental disorder, X-linked, syndromic 34. Also called: Syndromic X-linked intellectual disability 34; MENTAL RETARDATION, X-LINKED, SYNDROMIC, MIRCSOF-LANGOUET TYPE. Identifiers: Orphanet 466791, MedGen C4225417, MONDO:0010501, OMIM 300967.

Submission:

3billion
Classification: Likely pathogenic for Intellectual developmental disorder, X-linked, syndromic 34. Last evaluated: 2022-03-22. Review status: criteria provided, single submitter. Criteria: ACMG Guidelines, 2015. Collection method: clinical testing. Allele origin: germline. Affected: yes. Observed: 1 hemizygote.
Comment: Frameshift: predicted to result in a loss or disruption of normal protein function through nonsense-mediated decay (NMD) or protein truncation. Multiple pathogenic variants are reported downstream of the variant.It is not observed in the gnomAD v2.1.1 dataset. Therefore, this variant is classified as likely pathogenic according to the recommendation of ACMG/AMP guideline.